The following is an entry in ClinVar:

NM_001797.4(CDH11):c.785A>T (p.Asn262Ile)

Gene: CDH11 (cadherin 11; minus strand). Cytogenetic location: 16q21.
Variant type: single nucleotide variant.
Coding change: c.785A>T on transcript NM_001797.4 (MANE Select); coding-DNA position 785, A replaced by T.
Protein change: p.Asn262Ile; replaces asparagine 262 with isoleucine.
Molecular consequence: missense variant.
Genome position (GRCh38, 1-based): chr16:64,991,794, T>A on the plus strand (A>T on the coding strand, the complement: CDH11 is on the minus strand). VCF-style: chr16-64991794-T-A. GRCh37 (hg19) VCF-style: chr16-65025697-T-A.
Other names: c.785A>T, p.Asn262Ile (NM_001308392.2); c.407A>T, p.Asn136Ile (NM_001330576.2); short protein forms N136I, N262I.
Identifiers: ClinVar variation 4992839 (VCV004992839.1).
Genomic context (GRCh38, chr16:64,991,794, plus strand): 5'-CATGGAAAAGTGAAAGCCAAGTCCACCTACTTACTCTGCGGAAACTTTGGTGGGTTGTCA[T>A]TGACATCGGTCAGTGTGATCGTCACTTTGGTTGTCCCTGAGAGTCCGCCCATATGTCCAC-3'
Protein context (NP_001788.2, residues 252-272): TKVTITLTDV[Asn262Ile]DNPPKFPQSV

ClinVar aggregate classification (germline): Uncertain significance (1 of 4 stars; one submission).

Conditions:
CDH11-related disorder. Also called: CDH11-related condition.

Submission:

PreventionGenetics, part of Exact Sciences
Classification: Uncertain significance for CDH11-related condition. Last evaluated: 2026-07-24. Review status: criteria provided, single submitter. Criteria: ACMG Guidelines, 2015. Collection method: clinical testing. Allele origin: germline.
Comment: The CDH11 c.785A>T variant is predicted to result in the amino acid substitution p.Asn262Ile. This variant was reported in an individual with Teebi hypertelorism syndrome and was assumed to be de novo (Li et al. 2021. PubMed ID: 33811546). This variant has not been reported in a large population database (gnomAD), indicating this variant is rare. Although we suspect that this variant may be pathogenic, at this time, the clinical significance of this variant is uncertain due to the absence of conclusive functional and genetic evidence.